The following is an entry in ClinVar:

NM_000372.5(TYR):c.463A>T (p.Thr155Ser)

Gene: TYR (tyrosinase; plus strand). Cytogenetic location: 11q14.3.
Variant type: single nucleotide variant.
Coding change: c.463A>T on transcript NM_000372.5 (MANE Select); coding-DNA position 463, A replaced by T.
Protein change: p.Thr155Ser; replaces threonine 155 with serine.
Molecular consequence: missense variant.
Genome position (GRCh38, 1-based): chr11:89,178,416, A>T. VCF-style: chr11-89178416-A-T. GRCh37 (hg19) VCF-style: chr11-88911584-A-T.
Other names: short protein forms T155S.
Identifiers: ClinVar variation 2137227 (VCV002137227.5), dbSNP rs2496529372, ClinGen allele CA382034451.

ClinVar aggregate classification (germline): Uncertain significance. Review status: criteria provided, multiple submitters, no conflicts (2 of 4 stars). 3 submissions from 3 submitters: Uncertain significance (3). Last evaluated 2026-06-15.

Allele frequency attached by ClinVar (database versions not stated): gnomAD exomes below 0.00001.
gnomAD v4.1: 2 of 1,613,954 alleles (0.00012%); highest among the groups gnomAD compares: Non-Finnish European, 0.00017%; no homozygotes.

Submissions (3):

Women's Health and Genetics/Laboratory Corporation of America, LabCorp
Classification: Uncertain significance. Last evaluated: 2026-06-15. Review status: criteria provided, single submitter. Criteria: LabCorp Variant Classification Summary - May 2015. Collection method: clinical testing. Allele origin: germline.
Comment: Variant summary: TYR c.463A>T (p.Thr155Ser) results in a conservative amino acid change in the encoded protein sequence. Algorithms developed to predict the effect of missense changes on protein structure and function are either unavailable or do not agree on the potential impact of this missense change. The variant was absent in 251438 control chromosomes. The available data on variant occurrences in the general population are insufficient to allow any conclusion about variant significance. c.463A>T has been observed in individual(s) affected with TYR-related conditions without reported genotype/second variant (e.g. Opitz_2004). These report(s) do not provide unequivocal conclusions about association of the variant with disease. To our knowledge, no experimental evidence demonstrating an impact on protein function has been reported. The following publication has been ascertained in the context of this evaluation (PMID: 15146472). ClinVar contains an entry for this variant (Variation ID: 2137227). Based on the evidence outlined above, the variant was classified as uncertain significance.

Dasa
Classification: Uncertain significance. Last evaluated: 2025-08-04. Review status: criteria provided, single submitter. Criteria: DASA Assertion Criteria. Collection method: clinical testing. Allele origin: germline.
Comment: NM_000372.5(TYR):c.463A>T (p.Thr155Ser) is a missense variant that results in the substitution of threonine with serine. This variant is rare in population databases. Computational prediction algorithms are consistent with a deleterious effect. The currently available literature and clinical evidence are not sufficient to establish a definitive association between this variant and the reported condition. Therefore, this variant is classified as a variant of uncertain significance.

Labcorp Genetics (formerly Invitae), Labcorp
Classification: Uncertain significance. Last evaluated: 2022-07-23. Review status: criteria provided, single submitter. Criteria: Invitae Variant Classification Sherloc (09022015). Collection method: clinical testing. Allele origin: germline.
Comment: In summary, the available evidence is currently insufficient to determine the role of this variant in disease. Therefore, it has been classified as a Variant of Uncertain Significance. Advanced modeling of protein sequence and biophysical properties (such as structural, functional, and spatial information, amino acid conservation, physicochemical variation, residue mobility, and thermodynamic stability) performed at Invitae indicates that this missense variant is expected to disrupt TYR protein function. This missense change has been observed in individual(s) with clinical features of oculocutaneous albinism (PMID: 15146472). This variant is not present in population databases (gnomAD no frequency). This sequence change replaces threonine, which is neutral and polar, with serine, which is neutral and polar, at codon 155 of the TYR protein (p.Thr155Ser).

Literature cited by the submitters: PubMed 15146472 (cited by Women's Health and Genetics/Laboratory Corporation of America, LabCorp and Labcorp Genetics (formerly Invitae), Labcorp).